The following is an entry in ClinVar:

NM_002397.5(MEF2C):c.656C>T (p.Pro219Leu)

Gene: MEF2C (myocyte enhancer factor 2C; minus strand). Cytogenetic location: 5q14.3.
Variant type: single nucleotide variant.
Coding change: c.656C>T on transcript NM_002397.5 (MANE Select); coding-DNA position 656, C replaced by T.
Protein change: p.Pro219Leu; replaces proline 219 with leucine.
Molecular consequence: missense variant.
Genome position (GRCh38, 1-based): chr5:88,731,883, G>A on the plus strand (C>T on the coding strand, the complement: MEF2C is on the minus strand). VCF-style: chr5-88731883-G-A. GRCh37 (hg19) VCF-style: chr5-88027700-G-A.
Other names: c.650C>T, p.Pro217Leu (NM_001131005.2, NM_001364343.2, NM_001364352.2); c.710C>T, p.Pro237Leu (NM_001193347.1, NM_001364338.2); c.512C>T, p.Pro171Leu (NM_001193348.1, NM_001193349.3, NM_001364332.2 and 3 more transcripts); c.656C>T, p.Pro219Leu (NM_001193350.2, NM_001308002.3, NM_001363581.2 and 18 more transcripts); c.278C>T, p.Pro93Leu (NM_001364353.2, NM_001364356.2); c.230C>T, p.Pro77Leu (NM_001364357.2); short protein forms P237L, P77L, P93L, P217L, P171L, P219L.
Identifiers: ClinVar variation 947543 (VCV000947543.10), dbSNP rs1761821562, ClinGen allele CA360423487.

ClinVar aggregate classification (germline): Uncertain significance (1 of 4 stars; one submission).

Conditions:
Neurodevelopmental disorder with hypotonia, stereotypic hand movements, and impaired language. Also called: Intellectual disability, autosomal dominant 20. Identifiers: Orphanet 228384, Orphanet 664410, MedGen C3150700, MONDO:0013266, OMIM 613443.

Submission:

Labcorp Genetics (formerly Invitae), Labcorp
Classification: Uncertain significance for Neurodevelopmental disorder with hypotonia, stereotypic hand movements, and impaired language. Last evaluated: 2019-05-08. Review status: criteria provided, single submitter. Criteria: Invitae Variant Classification Sherloc (09022015). Collection method: clinical testing. Allele origin: germline.
Comment: This variant has not been reported in the literature in individuals with MEF2C-related conditions. In summary, the available evidence is currently insufficient to determine the role of this variant in disease. Therefore, it has been classified as a Variant of Uncertain Significance. Algorithms developed to predict the effect of missense changes on protein structure and function (SIFT, PolyPhen-2, Align-GVGD) all suggest that this variant is likely to be tolerated, but these predictions have not been confirmed by published functional studies and their clinical significance is uncertain. This variant is not present in population databases (ExAC no frequency). This sequence change replaces proline with leucine at codon 219 of the MEF2C protein (p.Pro219Leu). The proline residue is moderately conserved and there is a moderate physicochemical difference between proline and leucine.